The following is an entry in ClinVar:

NM_053025.4(MYLK):c.5734G>A (p.Glu1912Lys)

Genes: MYLK (myosin light chain kinase; minus strand), MYLK-AS1 (MYLK antisense RNA 1; plus strand). Cytogenetic location: 3q21.1.
Variant type: single nucleotide variant.
Coding change: c.5734G>A on transcript NM_053025.4 (MANE Select); coding-DNA position 5734, G replaced by A.
Protein change: p.Glu1912Lys; replaces glutamic acid 1912 with lysine.
Molecular consequence: missense variant.
Genome position (GRCh38, 1-based): chr3:123,614,116, C>T on the plus strand (G>A on the coding strand, the complement: MYLK is on the minus strand). VCF-style: chr3-123614116-C-T. GRCh37 (hg19) VCF-style: chr3-123332963-C-T.
Other names: c.5206G>A, p.Glu1736Lys (NM_001321309.2); c.5527G>A, p.Glu1843Lys (NM_053026.4); c.5581G>A, p.Glu1861Lys (NM_053027.4); c.5374G>A, p.Glu1792Lys (NM_053028.4); c.451G>A, p.Glu151Lys (NM_053031.4); c.454G>A, p.Glu152Lys (NM_053032.4); short protein forms E152K, E1736K, E1843K, E151K, E1912K, E1792K, E1861K.
Identifiers: ClinVar variation 2801092 (VCV002801092.3), dbSNP rs2472727165, ClinGen allele CA354228412.

ClinVar aggregate classification (germline): Uncertain significance (1 of 4 stars; one submission).

Conditions:
Aortic aneurysm, familial thoracic 7 (AAT7). Also called: AORTIC DISSECTION, FAMILIAL, WITH OR WITHOUT AORTIC ANEURYSM. Identifiers: MedGen C3151077, MONDO:0013418, OMIM 613780.

Submission:

Labcorp Genetics (formerly Invitae), Labcorp
Classification: Uncertain significance for Aortic aneurysm, familial thoracic 7. Last evaluated: 2022-11-26. Review status: criteria provided, single submitter. Criteria: Invitae Variant Classification Sherloc (09022015). Collection method: clinical testing. Allele origin: germline.
Comment: This sequence change replaces glutamic acid, which is acidic and polar, with lysine, which is basic and polar, at codon 1912 of the MYLK protein (p.Glu1912Lys). This variant is not present in population databases (gnomAD no frequency). This variant has not been reported in the literature in individuals affected with MYLK-related conditions. Advanced modeling of protein sequence and biophysical properties (such as structural, functional, and spatial information, amino acid conservation, physicochemical variation, residue mobility, and thermodynamic stability) performed at Invitae indicates that this missense variant is not expected to disrupt MYLK protein function. In summary, the available evidence is currently insufficient to determine the role of this variant in disease. Therefore, it has been classified as a Variant of Uncertain Significance.